The following is an entry in ClinVar:

NM_182961.4(SYNE1):c.18792G>A (p.Ala6264=)

Gene: SYNE1 (spectrin repeat containing nuclear envelope protein 1; minus strand). Cytogenetic location: 6q25.2.
Variant type: single nucleotide variant.
Coding change: c.18792G>A on transcript NM_182961.4 (MANE Select); coding-DNA position 18792, G replaced by A.
Protein change: p.Ala6264=; no amino-acid change (alanine 6264 retained).
Molecular consequence: synonymous variant.
Genome position (GRCh38, 1-based): chr6:152,268,079, C>T on the plus strand (G>A on the coding strand, the complement: SYNE1 is on the minus strand). VCF-style: chr6-152268079-C-T. GRCh37 (hg19) VCF-style: chr6-152589214-C-T.
Other names: c.18579G>A, p.Ala6193= (NM_033071.5).
Identifiers: ClinVar variation 4682418 (VCV004682418.1).
Genomic context (GRCh38, chr6:152,268,079, plus strand): 5'-CACAATGAAGAGAAAATGGAAGCATTTTGAAACATACCCAGCATCACCAGAGGTCTCTGC[C>T]GCCGAATGTTGAATTAGAATCTCCTCTCCACGACTGGCTACTGAGCGAAGGAGACTCTTC-3'
Protein context (NP_892006.3, residues 6254-6274): RGEEILIQHS[Ala6264=]AETSGDAGEK

ClinVar aggregate classification (germline): Likely benign (1 of 4 stars; one submission).

gnomAD v4.1: 27 of 1,613,898 alleles (0.0017%); highest among the groups gnomAD compares: South Asian, 0.021%; no homozygotes.

Submission:

Athena Diagnostics
Classification: Likely benign. Last evaluated: 2025-01-23. Review status: criteria provided, single submitter. Criteria: Athena Diagnostics Criteria. Collection method: clinical testing. Allele origin: unknown.
Comment: Computational tools yielded predictions that this variant is unlikely to have an effect on normal RNA splicing. This nucleotide position exhibits low evolutionary conservation.